The following is an entry in ClinVar:

ClinVar aggregate classification (germline): Uncertain significance. Review status: criteria provided, multiple submitters, no conflicts (2 of 4 stars). 2 submissions from 2 submitters: Uncertain significance (2). Last evaluated 2024-09-18.

Conditions:
Inborn genetic diseases. Identifiers: MedGen C0950123, MeSH D030342.

Allele frequency attached by ClinVar (database versions not stated): ExAC 0.00001; TOPMed 0.00006; gnomAD exomes below 0.00001; ESP Exome Variant Server 0.00008; gnomAD 0.00006.
gnomAD v4.1: 13 of 1,614,054 alleles (0.00081%); highest among the groups gnomAD compares: African/African-American, 0.017%; no homozygotes.

Submissions (2):

Ambry Genetics
Classification: Uncertain significance for Inborn genetic diseases. Last evaluated: 2024-09-18. Review status: criteria provided, single submitter. Criteria: Ambry Variant Classification Scheme 2023. Collection method: clinical testing. Allele origin: germline.

Labcorp Genetics (formerly Invitae), Labcorp
Classification: Uncertain significance. Last evaluated: 2022-05-11. Review status: criteria provided, single submitter. Criteria: Invitae Variant Classification Sherloc (09022015). Collection method: clinical testing. Allele origin: germline.
Comment: In summary, the available evidence is currently insufficient to determine the role of this variant in disease. Therefore, it has been classified as a Variant of Uncertain Significance. Algorithms developed to predict the effect of missense changes on protein structure and function (SIFT, PolyPhen-2, Align-GVGD) all suggest that this variant is likely to be tolerated. This variant has not been reported in the literature in individuals affected with ARHGAP31-related conditions. This variant is present in population databases (rs376461659, gnomAD 0.02%). This sequence change replaces arginine, which is basic and polar, with serine, which is neutral and polar, at codon 1377 of the ARHGAP31 protein (p.Arg1377Ser).

NM_020754.4(ARHGAP31):c.4131A>C (p.Arg1377Ser)

Gene: ARHGAP31 (Rho GTPase activating protein 31; plus strand). Cytogenetic location: 3q13.33.
Variant type: single nucleotide variant.
Coding change: c.4131A>C on transcript NM_020754.4 (MANE Select); coding-DNA position 4131, A replaced by C.
Protein change: p.Arg1377Ser; replaces arginine 1377 with serine.
Molecular consequence: missense variant.
Genome position (GRCh38, 1-based): chr3:119,416,060, A>C. VCF-style: chr3-119416060-A-C. GRCh37 (hg19) VCF-style: chr3-119134907-A-C.
Other names: c.4131A>C (NM_020754.2); short protein forms R1377S.
Identifiers: ClinVar variation 2080910 (VCV002080910.5), dbSNP rs376461659, ClinGen allele CA2554303.